The following is an entry in ClinVar:

NM_014795.4(ZEB2):c.175G>A (p.Glu59Lys)

Gene: ZEB2 (zinc finger E-box binding homeobox 2; minus strand). Cytogenetic location: 2q22.3.
Variant type: single nucleotide variant.
Coding change: c.175G>A on transcript NM_014795.4 (MANE Select); coding-DNA position 175, G replaced by A.
Protein change: p.Glu59Lys; replaces glutamic acid 59 with lysine.
Molecular consequence: missense variant.
Genome position (GRCh38, 1-based): chr2:144,429,925, C>T on the plus strand (G>A on the coding strand, the complement: ZEB2 is on the minus strand). VCF-style: chr2-144429925-C-T. GRCh37 (hg19) VCF-style: chr2-145187492-C-T.
Other names: c.175G>A, p.Glu59Lys (NM_001171653.2); short protein forms E59K.
Identifiers: ClinVar variation 2762721 (VCV002762721.3), dbSNP rs2549120691, ClinGen allele CA348718905.

ClinVar aggregate classification (germline): Uncertain significance (1 of 4 stars; one submission).

Conditions:
Mowat-Wilson syndrome (MOWS). Also called: Classic Mowat-Wilson Syndrome. Identifiers: Orphanet 2152, MedGen C1856113, MONDO:0009341, OMIM 235730.

Allele frequency attached by ClinVar (database versions not stated): gnomAD exomes below 0.00001.
gnomAD v4.1: 1 of 1,613,848 alleles (0.000062%); highest among the groups gnomAD compares: Non-Finnish European, 0.000085%; no homozygotes.

Submission:

Labcorp Genetics (formerly Invitae), Labcorp
Classification: Uncertain significance for Mowat-Wilson syndrome. Last evaluated: 2024-01-08. Review status: criteria provided, single submitter. Criteria: Invitae Variant Classification Sherloc (09022015). Collection method: clinical testing. Allele origin: germline.
Comment: This sequence change replaces glutamic acid, which is acidic and polar, with lysine, which is basic and polar, at codon 59 of the ZEB2 protein (p.Glu59Lys). This variant is not present in population databases (gnomAD no frequency). This variant has not been reported in the literature in individuals affected with ZEB2-related conditions. An algorithm developed to predict the effect of missense changes on protein structure and function (PolyPhen-2) suggests that this variant is likely to be tolerated. In summary, the available evidence is currently insufficient to determine the role of this variant in disease. Therefore, it has been classified as a Variant of Uncertain Significance.